The following is an entry in ClinVar:

NM_033641.4(COL4A6):c.2157G>C (p.Lys719Asn)

Gene: COL4A6 (collagen type IV alpha 6 chain; minus strand). Cytogenetic location: Xq22.3.
Variant type: single nucleotide variant.
Coding change: c.2157G>C on transcript NM_033641.4 (MANE Select); coding-DNA position 2157, G replaced by C.
Protein change: p.Lys719Asn; replaces lysine 719 with asparagine.
Molecular consequence: missense variant.
Genome position (GRCh38, 1-based): chrX:108,179,413, C>G on the plus strand (G>C on the coding strand, the complement: COL4A6 is on the minus strand). VCF-style: chrX-108179413-C-G. GRCh37 (hg19) VCF-style: chrX-107422643-C-G.
Other names: c.2208G>C, p.Lys736Asn (NM_001287758.2); c.2157G>C, p.Lys719Asn (NM_001287759.2, NM_001287760.2); c.2160G>C, p.Lys720Asn (NM_001847.4); short protein forms K719N, K736N, K720N.
Identifiers: ClinVar variation 2901425 (VCV002901425.3), dbSNP rs2034609668, ClinGen allele CA413859279.

ClinVar aggregate classification (germline): Uncertain significance (1 of 4 stars; one submission).

gnomAD v4.1: 5 of 1,207,231 alleles (0.00041%); highest among the groups gnomAD compares: Non-Finnish European, 0.00056%; no homozygotes.

Submission:

Labcorp Genetics (formerly Invitae), Labcorp
Classification: Uncertain significance. Last evaluated: 2025-09-06. Review status: criteria provided, single submitter. Criteria: Invitae Variant Classification Sherloc (09022015). Collection method: clinical testing. Allele origin: germline.
Comment: This sequence change replaces lysine, which is basic and polar, with asparagine, which is neutral and polar, at codon 720 of the COL4A6 protein (p.Lys720Asn). This variant is not present in population databases (gnomAD no frequency). This variant has not been reported in the literature in individuals affected with COL4A6-related conditions. ClinVar contains an entry for this variant (Variation ID: 2901425). Invitae Evidence Modeling of protein sequence and biophysical properties (such as structural, functional, and spatial information, amino acid conservation, physicochemical variation, residue mobility, and thermodynamic stability) indicates that this missense variant is not expected to disrupt COL4A6 protein function with a negative predictive value of 80%. In summary, the available evidence is currently insufficient to determine the role of this variant in disease. Therefore, it has been classified as a Variant of Uncertain Significance.